The following is an entry in ClinVar:

ClinVar aggregate classification (germline): Pathogenic (1 of 4 stars; one submission).

Conditions:
Senior-Loken syndrome 7 (SLSN7). Identifiers: Orphanet 3156, MedGen C3150877, MONDO:0013326, OMIM 613615.
Bardet-Biedl syndrome 16 (BBS16). Identifiers: Orphanet 110, MedGen C3889474, MONDO:0014444, OMIM 615993.

gnomAD v4.1: 1 of 1,614,096 alleles (0.000062%); highest among the groups gnomAD compares: South Asian, 0.0011%; no homozygotes.

Submission:

Labcorp Genetics (formerly Invitae), Labcorp
Classification: Pathogenic for Bardet-Biedl syndrome 16; Senior-Loken syndrome 7. Last evaluated: 2025-12-03. Review status: criteria provided, single submitter. Criteria: Invitae Variant Classification Sherloc (09022015). Collection method: clinical testing. Allele origin: germline.
Comment: This sequence change creates a premature translational stop signal (p.Glu156*) in the SDCCAG8 gene. It is expected to result in an absent or disrupted protein product. Loss-of-function variants in SDCCAG8 are known to be pathogenic (PMID: 20835237, 22190896). This variant is not present in population databases (gnomAD no frequency). This variant has not been reported in the literature in individuals affected with SDCCAG8-related conditions. For these reasons, this variant has been classified as Pathogenic.

Literature cited by the submitters: PubMed 20835237; PubMed 22190896.

NM_006642.5(SDCCAG8):c.466G>T (p.Glu156Ter)

Gene: SDCCAG8 (SHH signaling and ciliogenesis regulator SDCCAG8; plus strand). Cytogenetic location: 1q43.
Variant type: single nucleotide variant.
Coding change: c.466G>T on transcript NM_006642.5 (MANE Select); coding-DNA position 466, G replaced by T.
Protein change: p.Glu156Ter; replaces glutamic acid 156 with a stop codon.
Molecular consequence: nonsense. On other transcripts: 5 prime UTR variant (3).
Genome position (GRCh38, 1-based): chr1:243,286,317, G>T. VCF-style: chr1-243286317-G-T. GRCh37 (hg19) VCF-style: chr1-243449619-G-T.
Other names: c.-647G>T (NM_001350246.2); c.-535G>T (NM_001350247.2); c.466G>T, p.Glu156Ter (NM_001350248.2); c.172G>T, p.Glu58Ter (NM_001350249.2); c.-908G>T (NM_001350251.2); short protein forms E156*, E58*.
Identifiers: ClinVar variation 4786919 (VCV004786919.1).
Genomic context (GRCh38, chr1:243,286,317, plus strand): 5'-TTTTGTTTATTATAGGAGGAACTCTCTGGAATGAAAAATAAAATACAAGTAGTTGTGCTT[G>T]AAAACGAAGGGCTCCAGCAACAGCTAAAATCTCAAAGACAAGAGGAGACACTGAGGGAAC-3'